The following is an entry in ClinVar:

NM_000550.3(TYRP1):c.831A>G (p.Ile277Met)

Gene: TYRP1 (tyrosinase related protein 1; plus strand). Cytogenetic location: 9p23.
Variant type: single nucleotide variant.
Coding change: c.831A>G on transcript NM_000550.3 (MANE Select); coding-DNA position 831, A replaced by G.
Protein change: p.Ile277Met; replaces isoleucine 277 with methionine.
Molecular consequence: missense variant.
Genome position (GRCh38, 1-based): chr9:12,698,573, A>G. VCF-style: chr9-12698573-A-G. GRCh37 (hg19) VCF-style: chr9-12698573-A-G.
Other names: short protein forms I277M.
Identifiers: ClinVar variation 2501425 (VCV002501425.5), dbSNP rs754993789, ClinGen allele CA4985338.

ClinVar aggregate classification (germline): Uncertain significance. Review status: criteria provided, multiple submitters, no conflicts (2 of 4 stars). 3 submissions from 3 submitters: Uncertain significance (2). 1 of the submissions does not count toward it. Last evaluated 2025-11-06.

Conditions:
TYRP1-related disorder. Also called: TYRP1-related condition.

Allele frequency attached by ClinVar (database versions not stated): ExAC 0.00001; gnomAD 0.00003; TOPMed 0.00005; gnomAD exomes 0.00007.

Submissions (3):

GeneDx
Classification: Uncertain significance. Last evaluated: 2025-11-06. Review status: criteria provided, single submitter. Criteria: GeneDx Variant Classification Process June 2021. Collection method: clinical testing. Allele origin: germline. Affected: yes.
Comment: In silico analysis supports that this missense variant does not alter protein structure/function; Has not been previously published as pathogenic or benign in association with a TYRP1-related disorder to our knowledge; This variant is associated with the following publications: (PMID: 34662886)

Blueprint Genetics
Classification: Uncertain significance. Last evaluated: 2022-11-13. Review status: criteria provided, single submitter. Criteria: ACMG Guidelines, 2015. Collection method: clinical testing. Allele origin: germline.

PreventionGenetics, part of Exact Sciences
Classification: Uncertain significance for TYRP1-related condition. Last evaluated: 2024-09-03. Review status: no assertion criteria provided. Collection method: clinical testing. Allele origin: germline. Not counted in ClinVar's aggregate classification.
Comment: The TYRP1 c.831A>G variant is predicted to result in the amino acid substitution p.Ile277Met. To our knowledge, this variant has not been reported in the literature in association with disease. This variant is reported in 0.012% of alleles in individuals of African descent in gnomAD. At this time, the clinical significance of this variant is uncertain due to the absence of conclusive functional and genetic evidence.